The following is an entry in ClinVar:

NM_004646.4(NPHS1):c.1012+2T>A

Gene: NPHS1 (NPHS1 adhesion molecule, nephrin; minus strand). Cytogenetic location: 19q13.12.
Variant type: single nucleotide variant.
Coding change: c.1012+2T>A on transcript NM_004646.4 (MANE Select); the canonical splice donor site of the intron after coding-DNA position 1012, T replaced by A.
Molecular consequence: splice donor variant.
Genome position (GRCh38, 1-based): chr19:35,848,974, A>T on the plus strand (T>A on the coding strand, the complement: NPHS1 is on the minus strand). VCF-style: chr19-35848974-A-T. GRCh37 (hg19) VCF-style: chr19-36339876-A-T.
Identifiers: ClinVar variation 2114681 (VCV002114681.5), dbSNP rs1430436552, ClinGen allele CA405406609.

ClinVar aggregate classification (germline): Likely pathogenic. Review status: criteria provided, multiple submitters, no conflicts (2 of 4 stars). 2 submissions from 2 submitters: Likely pathogenic (2). Last evaluated 2023-02-14.

Conditions:
Finnish congenital nephrotic syndrome (NPHS1). Also called: NEPHROTIC SYNDROME, TYPE 1. Identifiers: Orphanet 839, MedGen C0403399, MONDO:0009732, OMIM 256300.

Submissions (2):

Baylor Genetics
Classification: Likely pathogenic for Finnish congenital nephrotic syndrome. Last evaluated: 2023-02-14. Review status: criteria provided, single submitter. Criteria: ACMG Guidelines, 2015. Collection method: clinical testing. Allele origin: unknown.

Labcorp Genetics (formerly Invitae), Labcorp
Classification: Likely pathogenic. Last evaluated: 2022-03-19. Review status: criteria provided, single submitter. Criteria: Invitae Variant Classification Sherloc (09022015). Collection method: clinical testing. Allele origin: germline.
Comment: In summary, the currently available evidence indicates that the variant is pathogenic, but additional data are needed to prove that conclusively. Therefore, this variant has been classified as Likely Pathogenic. Algorithms developed to predict the effect of sequence changes on RNA splicing suggest that this variant may disrupt the consensus splice site. This variant has not been reported in the literature in individuals affected with NPHS1-related conditions. This variant is not present in population databases (gnomAD no frequency). This sequence change affects a donor splice site in intron 8 of the NPHS1 gene. It is expected to disrupt RNA splicing. Variants that disrupt the donor or acceptor splice site typically lead to a loss of protein function (PMID: 16199547), and loss-of-function variants in NPHS1 are known to be pathogenic (PMID: 11317351, 11854170, 12039988).

Literature cited by the submitters: PubMed 16199547 (cited by Labcorp Genetics (formerly Invitae), Labcorp); PubMed 11317351 (cited by Labcorp Genetics (formerly Invitae), Labcorp); PubMed 11854170 (cited by Labcorp Genetics (formerly Invitae), Labcorp); PubMed 12039988 (cited by Labcorp Genetics (formerly Invitae), Labcorp).